The following is an entry in ClinVar:

ClinVar aggregate classification (germline): Uncertain significance (1 of 4 stars; one submission).

Allele frequency attached by ClinVar (database versions not stated): gnomAD exomes 0.00001 and 0.00006; ExAC 0.00009; TOPMed 0.00012; ESP Exome Variant Server 0.00015; gnomAD 0.00016; 1000 Genomes Project 30x 0.00047; 1000 Genomes Project 0.00060.

Submission:

Labcorp Genetics (formerly Invitae), Labcorp
Classification: Uncertain significance. Last evaluated: 2023-04-24. Review status: criteria provided, single submitter. Criteria: Invitae Variant Classification Sherloc (09022015). Collection method: clinical testing. Allele origin: germline.
Comment: ClinVar contains an entry for this variant (Variation ID: 1447615). In summary, the available evidence is currently insufficient to determine the role of this variant in disease. Therefore, it has been classified as a Variant of Uncertain Significance. An algorithm developed to predict the effect of missense changes on protein structure and function (PolyPhen-2) suggests that this variant is likely to be disruptive. This variant has not been reported in the literature in individuals affected with PDP1-related conditions. This variant is present in population databases (rs147845975, gnomAD 0.05%). This sequence change replaces arginine, which is basic and polar, with glutamine, which is neutral and polar, at codon 126 of the PDP1 protein (p.Arg126Gln).

NM_018444.4(PDP1):c.377G>A (p.Arg126Gln)

Gene: PDP1 (pyruvate dehydrogenase phosphatase catalytic subunit 1; plus strand). Cytogenetic location: 8q22.1.
Variant type: single nucleotide variant.
Coding change: c.377G>A on transcript NM_018444.4 (MANE Select); coding-DNA position 377, G replaced by A.
Protein change: p.Arg126Gln; replaces arginine 126 with glutamine.
Molecular consequence: missense variant.
Genome position (GRCh38, 1-based): chr8:93,922,436, G>A. VCF-style: chr8-93922436-G-A. GRCh37 (hg19) VCF-style: chr8-94934664-G-A.
Other names: c.452G>A, p.Arg151Gln (NM_001161779.2, NM_001161780.2); c.377G>A, p.Arg126Gln (NM_001161781.2); short protein forms R151Q, R126Q.
Identifiers: ClinVar variation 1447615 (VCV001447615.5), dbSNP rs147845975, ClinGen allele CA4808691.